The following is an entry in ClinVar:

NM_182961.4(SYNE1):c.22458T>G (p.Asn7486Lys)

Gene: SYNE1 (spectrin repeat containing nuclear envelope protein 1; minus strand). Cytogenetic location: 6q25.2.
Variant type: single nucleotide variant.
Coding change: c.22458T>G on transcript NM_182961.4 (MANE Select); coding-DNA position 22458, T replaced by G.
Protein change: p.Asn7486Lys; replaces asparagine 7486 with lysine.
Molecular consequence: missense variant.
Genome position (GRCh38, 1-based): chr6:152,213,648, A>C on the plus strand (T>G on the coding strand, the complement: SYNE1 is on the minus strand). VCF-style: chr6-152213648-A-C. GRCh37 (hg19) VCF-style: chr6-152534783-A-C.
Other names: c.22458T>G (NM_182961.2); c.22245T>G, p.Asn7415Lys (NM_033071.5); short protein forms N7415K, N7486K.
Identifiers: ClinVar variation 284974 (VCV000284974.20), dbSNP rs139466191, ClinGen allele CA4053882.
Genomic context (GRCh38, chr6:152,213,648, plus strand): 5'-CCCAAATCTACTGATACAACTTACCTCGTGTGCTCTCTGCTGTTCCAAAAGGTGCTGATA[A>C]TTTCCTGAAATCTCTACTGCTAACTTTTGTTCTGTCTGAACTAGGAATTCCATCCATGTT-3'
Protein context (NP_892006.3, residues 7476-7496): EQKLAVEISG[Asn7486Lys]YQHLLEQQRA

ClinVar aggregate classification (germline): Conflicting classifications of pathogenicity. Review status: criteria provided, conflicting classifications (1 of 4 stars). 5 submissions from 5 submitters: Uncertain significance (3); Likely benign (2). Last evaluated 2025-12-09.

Conditions:
Autosomal recessive ataxia, Beauce type. Also called: Spinocerebellar ataxia, autosomal recessive 8; ATAXIA, RECESSIVE, OF BEAUCE; SYNE1-Related Autosomal Recessive Cerebellar Ataxia; SYNE1 Deficiency. Identifiers: Orphanet 88644, MedGen C1853116, MONDO:0012549, OMIM 610743.
Emery-Dreifuss muscular dystrophy 4, autosomal dominant (EDMD4). Also called: EMERY-DREIFUSS MUSCULAR DYSTROPHY 4 WITH VARIABLE FEATURES. Identifiers: Orphanet 261, MedGen C2751807, MONDO:0013071, OMIM 612998.
Inborn genetic diseases. Identifiers: MedGen C0950123, MeSH D030342.

Allele frequency attached by ClinVar (database versions not stated): gnomAD exomes 0.00007 and 0.00020; 1000 Genomes Project 30x 0.00016; 1000 Genomes Project 0.00020; ExAC 0.00026; gnomAD 0.00056 and 0.00061; TOPMed 0.00073; ESP Exome Variant Server 0.00100.
gnomAD v4.1: 180 of 1,614,096 alleles (0.011%); highest among the groups gnomAD compares: African/African-American, 0.23%; no homozygotes.

Submissions (5):

Labcorp Genetics (formerly Invitae), Labcorp
Classification: Likely benign for Emery-Dreifuss muscular dystrophy 4, autosomal dominant; Autosomal recessive ataxia, Beauce type. Last evaluated: 2025-12-09. Review status: criteria provided, single submitter. Criteria: Invitae Variant Classification Sherloc (09022015). Collection method: clinical testing. Allele origin: germline.

GeneDx
Classification: Uncertain significance. Last evaluated: 2025-03-12. Review status: criteria provided, single submitter. Criteria: GeneDx Variant Classification Process June 2021. Collection method: clinical testing. Allele origin: germline. Affected: yes.
Comment: In silico analysis supports that this missense variant has a deleterious effect on protein structure/function; Has not been previously published as pathogenic or benign to our knowledge

Athena Diagnostics
Classification: Likely benign. Last evaluated: 2024-06-03. Review status: criteria provided, single submitter. Criteria: Athena Diagnostics Criteria. Collection method: clinical testing. Allele origin: unknown.

Ambry Genetics
Classification: Uncertain significance for Inborn genetic diseases. Last evaluated: 2021-08-17. Review status: criteria provided, single submitter. Criteria: Ambry Variant Classification Scheme 2023. Collection method: clinical testing. Allele origin: germline.

Eurofins Ntd Llc (ga)
Classification: Uncertain significance. Last evaluated: 2017-01-17. Review status: criteria provided, single submitter. Criteria: EGL Classification Definitions 2015. Collection method: clinical testing. Allele origin: germline. Observed: 4 variant alleles, 3 heterozygotes.

Literature cited by the submitters: PubMed 23555315 (cited by Athena Diagnostics).